The following is an entry in ClinVar:

NM_000238.4(KCNH2):c.2803C>G (p.Pro935Ala)

Gene: KCNH2 (potassium voltage-gated channel subfamily H member 2; minus strand). Cytogenetic location: 7q36.1.
Variant type: single nucleotide variant.
Coding change: c.2803C>G on transcript NM_000238.4 (MANE Select); coding-DNA position 2803, C replaced by G.
Protein change: p.Pro935Ala; replaces proline 935 with alanine.
Molecular consequence: missense variant.
Genome position (GRCh38, 1-based): chr7:150,947,768, G>C on the plus strand (C>G on the coding strand, the complement: KCNH2 is on the minus strand). VCF-style: chr7-150947768-G-C. GRCh37 (hg19) VCF-style: chr7-150644856-G-C.
Other names: c.1783C>G, p.Pro595Ala (NM_172057.3); short protein forms P935A, P595A.
Identifiers: ClinVar variation 922520 (VCV000922520.7), dbSNP rs1419849010, ClinGen allele CA369853371.

ClinVar aggregate classification (germline): Uncertain significance (1 of 4 stars; one submission).

Conditions:
Cardiac arrhythmia. Also called: Cardiac rhythm disease; Arrhythmia. Identifiers: MedGen C0003811, MONDO:0007263, HP:0011675.

Submission:

Color Diagnostics, LLC DBA Color Health
Classification: Uncertain significance for Cardiac arrhythmia. Last evaluated: 2023-12-05. Review status: criteria provided, single submitter. Criteria: ACMG Guidelines, 2015. Collection method: clinical testing. Allele origin: germline.
Comment: This missense variant replaces proline with alanine at codon 935 of the KCNH2 protein. Computational prediction tools and conservation analyses are inconclusive regarding the impact of this variant on the protein function. Computational splicing tools suggest that this variant may not impact RNA splicing. To our knowledge, functional assays have not been performed for this variant nor has this variant been reported in individuals affected with cardiovascular disorders in the literature. This variant has not been identified in the general population by the Genome Aggregation Database (gnomAD). Available evidence is insufficient to determine the role of this variant in disease conclusively. Therefore, this variant is classified as a Variant of Uncertain Significance.